The following is an entry in ClinVar:

NM_001009944.3(PKD1):c.2728G>A (p.Asp910Asn)

Gene: PKD1 (polycystin 1, transient receptor potential channel interacting; minus strand). Cytogenetic location: 16p13.3.
Variant type: single nucleotide variant.
Coding change: c.2728G>A on transcript NM_001009944.3 (MANE Select); coding-DNA position 2728, G replaced by A.
Protein change: p.Asp910Asn; replaces aspartic acid 910 with asparagine.
Molecular consequence: missense variant.
Genome position (GRCh38, 1-based): chr16:2,114,295, C>T on the plus strand (G>A on the coding strand, the complement: PKD1 is on the minus strand). VCF-style: chr16-2114295-C-T. GRCh37 (hg19) VCF-style: chr16-2164296-C-T.
Other names: c.2728G>A, p.Asp910Asn (NM_000296.4); c.2728G>A (NM_001009944.2); short protein forms D910N.
Identifiers: ClinVar variation 807956 (VCV000807956.44), dbSNP rs773329559, ClinGen allele CA7833117.

ClinVar aggregate classification (germline): Uncertain significance. Review status: criteria provided, multiple submitters, no conflicts (2 of 4 stars). 3 submissions from 3 submitters: Uncertain significance (3). Last evaluated 2023-07-14.

Conditions:
Polycystic kidney disease, adult type (PKD1). Also called: Polycystic Kidney, Autosomal Dominant; Polycystic Kidney Disease 1, Autosomal Dominant; Polycystic kidney disease 1; Polycystic kidney disease 1, severe; POLYCYSTIC KIDNEY DISEASE, ADULT, TYPE I; POLYCYSTIC KIDNEY DISEASE 1 WITH OR WITHOUT POLYCYSTIC LIVER DISEASE. Identifiers: MedGen C3149841, MONDO:0008263, OMIM 173900.

Allele frequency attached by ClinVar (database versions not stated): TOPMed 0.00003; gnomAD exomes below 0.00001; ExAC 0.00002; gnomAD 0.00003.

Submissions (3):

Women's Health and Genetics/Laboratory Corporation of America, LabCorp
Classification: Uncertain significance. Last evaluated: 2023-07-14. Review status: criteria provided, single submitter. Criteria: LabCorp Variant Classification Summary - May 2015. Collection method: clinical testing. Allele origin: germline.
Comment: Variant summary: PKD1 c.2728G>A (p.Asp910Asn) results in a conservative amino acid change located in the PKD domain (IPR000601) and the cation channel domain (IPR006228) of the encoded protein sequence. Five of five in-silico tools predict a benign effect of the variant on protein function. The variant allele was found at a frequency of 4e-06 in 248432 control chromosomes (i.e., 1 heterozygote; gnomAD v2.1, Exomes dataset). The available data on variant occurrences in the general population are insufficient to allow any conclusion about variant significance. To our knowledge, no occurrence of c.2728G>A in individuals affected with Polycystic Kidney Disease 1 and no experimental evidence demonstrating its impact on protein function have been reported. Two submitters have reported clinical-significance assessments for this variant to ClinVar after 2014. All submitters classified the variant as uncertain significance. Based on the evidence outlined above, the variant was classified as uncertain significance.

Fulgent Genetics
Classification: Uncertain significance for Polycystic kidney disease, adult type. Last evaluated: 2021-12-07. Review status: criteria provided, single submitter. Criteria: ACMG Guidelines, 2015. Collection method: clinical testing. Allele origin: unknown.

CeGaT Center for Human Genetics Tuebingen
Classification: Uncertain significance. Last evaluated: 2019-04-01. Review status: criteria provided, single submitter. Criteria: CeGaT Center For Human Genetics Tuebingen Variant Classification Criteria Version 2. Collection method: clinical testing. Allele origin: germline. Affected: yes. Observed: 1 variant allele.